The following is an entry in ClinVar:

ClinVar aggregate classification (germline): Conflicting classifications of pathogenicity. Review status: criteria provided, conflicting classifications (1 of 4 stars). 2 submissions from 2 submitters: Uncertain significance (1); Likely benign (1). Last evaluated 2025-11-01.

Allele frequency attached by ClinVar (database versions not stated): ExAC 0.00001; gnomAD 0.00001; gnomAD exomes 0.00001 and 0.00002.
gnomAD v4.1: 5 of 1,607,478 alleles (0.00031%); highest among the groups gnomAD compares: Admixed American, 0.0084%; no homozygotes.

Submissions (2):

CeGaT Center for Human Genetics Tuebingen
Classification: Likely benign. Last evaluated: 2025-11-01. Review status: criteria provided, single submitter. Criteria: CeGaT Center For Human Genetics Tuebingen Variant Classification Criteria Version 2. Collection method: clinical testing. Allele origin: germline. Affected: yes. Observed: 1 variant allele.
Comment: SRCAP: BS1

Labcorp Genetics (formerly Invitae), Labcorp
Classification: Uncertain significance. Last evaluated: 2021-08-27. Review status: criteria provided, single submitter. Criteria: Invitae Variant Classification Sherloc (09022015). Collection method: clinical testing. Allele origin: germline.

NM_006662.3(SRCAP):c.3238G>T (p.Gly1080Cys)

Gene: SRCAP (Snf2 related CREBBP activator protein; plus strand). Cytogenetic location: 16p11.2.
Variant type: single nucleotide variant.
Coding change: c.3238G>T on transcript NM_006662.3 (MANE Select); coding-DNA position 3238, G replaced by T.
Protein change: p.Gly1080Cys; replaces glycine 1080 with cysteine.
Molecular consequence: missense variant.
Genome position (GRCh38, 1-based): chr16:30,720,963, G>T. VCF-style: chr16-30720963-G-T. GRCh37 (hg19) VCF-style: chr16-30732284-G-T.
Other names: short protein forms G1080C.
Identifiers: ClinVar variation 1505648 (VCV001505648.8), dbSNP rs772165395, ClinGen allele CA8011432.